The following is an entry in ClinVar:

ClinVar aggregate classification (germline): Benign/Likely benign. Review status: criteria provided, multiple submitters, no conflicts (2 of 4 stars). 2 submissions from 2 submitters: Benign (1); Likely benign (1). Last evaluated 2021-05-22.

Conditions:
Spinocerebellar ataxia type 14 (SCA14). Identifiers: Orphanet 98763, MedGen C1854369, MONDO:0011540, OMIM 605361.

Allele frequency attached by ClinVar (database versions not stated): gnomAD 0.00836 and 0.00888; 1000 Genomes Project 0.00879; 1000 Genomes Project 30x 0.00906; TOPMed 0.00947.
gnomAD v4.1: 3,082 of 1,261,212 alleles (0.24%); highest among the groups gnomAD compares: African/African-American, 2.5%; 35 homozygotes.

Submissions (2):

GeneDx
Classification: Likely benign. Last evaluated: 2021-05-22. Review status: criteria provided, single submitter. Criteria: GeneDx Variant Classification Process June 2021. Collection method: clinical testing. Allele origin: germline. Affected: yes.
Comment: See Variant Classification Assertion Criteria.

Illumina Laboratory Services, Illumina
Classification: Benign for Spinocerebellar ataxia type 14. Last evaluated: 2018-01-13. Review status: criteria provided, single submitter. Criteria: ICSL Variant Classification Criteria 13 December 2019. Collection method: clinical testing. Allele origin: germline.
Comment: This variant was observed in the ICSL laboratory as part of a predisposition screen in an ostensibly healthy population. It had not been previously curated by ICSL or reported in the Human Gene Mutation Database (HGMD: prior to June 1st, 2018), and was therefore a candidate for classification through an automated scoring system. Utilizing variant allele frequency, disease prevalence and penetrance estimates, and inheritance mode, an automated score was calculated to assess if this variant is too frequent to cause the disease. Based on the score and internal cut-off values, a variant classified as benign is not then subjected to further curation. The score for this variant resulted in a classification of benign for this disease.

NM_002739.5(PRKCG):c.*199C>T

Gene: PRKCG (protein kinase C gamma; plus strand). Cytogenetic location: 19q13.42.
Variant type: single nucleotide variant.
Coding change: c.*199C>T on transcript NM_002739.5 (MANE Select); 199 bases downstream of the stop codon, C replaced by T.
Molecular consequence: 3 prime UTR variant.
Genome position (GRCh38, 1-based): chr19:53,907,094, C>T. VCF-style: chr19-53907094-C-T. GRCh37 (hg19) VCF-style: chr19-54410348-C-T.
Other names: c.*199C>T (LRG_669t1); c.*58C>T (NM_001316329.2).
Identifiers: ClinVar variation 330077 (VCV000330077.6), dbSNP rs114091656, ClinGen allele CA10649070.